The following is an entry in ClinVar:

ClinVar aggregate classification (germline): Likely pathogenic (3 of 4 stars; one submission).

Conditions:
Glanzmann thrombasthenia. Also called: THROMBASTHENIA OF GLANZMANN AND NAEGELI; PLATELET GLYCOPROTEIN IIb-IIIa DEFICIENCY; Thrombasthenia; Glanzmann's thrombasthenia. Identifiers: Orphanet 849, MedGen C0040015, MONDO:0100326.

Submission:

ClinGen Platelet Disorders Variant Curation Expert Panel, ClinGen
Classification: Likely pathogenic for Glanzmann thrombasthenia. Last evaluated: 2026-01-20. Review status: reviewed by expert panel. Criteria: ClinGen Platelet ACMG Specifications v2-1. Collection method: curation. Allele origin: germline. Inheritance: Autosomal recessive inheritance.
Comment: The NM_000212.3(ITGB3):c.646T>C (p.Tyr216His) missense variant was identified in a patient with GT type II (UPN 12, PMID 17083650). This variant is absent from the gnomAD v4.1 (PM2_Supporting). This variant has a REVEL score of 0.964; predicting a deleterious impact. This score is greater than the threshold set by the PD VCEP of >/= 0.70 (PP3). This variant was detected in a homozygous state in a patient with GT type II (UPN 12; PMID 17083650; PM3_supporting). This variant was identified in a patient with GT type II (UPN 12, PMID 17083650) who had mucocutaneous bleeding. The patient showed no platelet aggregation in response to ADP, epinephrine, and collagen but had a weak response to ristocetin. Flow cytometry showed 32.7% of aIIbB3 present but there was no fibrinogen binding present (PP4_Moderate). In summary, this variant meets the criteria to be classified as likely pathogenic for autosomal recessive Glanzmann Thrombasthenia based on the ACMG/AMP criteria applied, as specified by the ClinGen PD VCEP: PP4_Moderate, PM2_supporting, PP3, PM3_Supporting, PM5 (VCEP specifications version 2.1).

NM_000212.3(ITGB3):c.646T>C (p.Tyr216His)

Genes: ITGB3 (integrin subunit beta 3; plus strand), LOC130061043 (ATAC-STARR-seq lymphoblastoid active region 12307; plus strand). Cytogenetic location: 17q21.32.
Variant type: single nucleotide variant.
Coding change: c.646T>C on transcript NM_000212.3 (MANE Select); coding-DNA position 646, T replaced by C.
Protein change: p.Tyr216His; replaces tyrosine 216 with histidine.
Molecular consequence: missense variant.
Genome position (GRCh38, 1-based): chr17:47,286,291, T>C. VCF-style: chr17-47286291-T-C. GRCh37 (hg19) VCF-style: chr17-45363657-T-C.
Other names: NM_000212.3:c.646T>C; short protein forms Y216H.
Identifiers: ClinVar variation 2506412 (VCV002506412.2), dbSNP rs2547616779, ClinGen allele CA400023428.